The following is an entry in ClinVar:

ClinVar aggregate classification (germline): Uncertain significance. Review status: criteria provided, multiple submitters, no conflicts (2 of 4 stars). 2 submissions from 2 submitters: Uncertain significance (2). Last evaluated 2025-01-15.

Allele frequency attached by ClinVar (database versions not stated): gnomAD exomes 0.00001 and 0.00002; ExAC 0.00002; gnomAD 0.00003 and 0.00050; TOPMed 0.00078.
gnomAD v4.1: 84 of 1,611,472 alleles (0.0052%); highest among the groups gnomAD compares: Non-Finnish European, 0.0012%; 2 homozygotes.

Submissions (2):

Labcorp Genetics (formerly Invitae), Labcorp
Classification: Uncertain significance. Last evaluated: 2025-01-15. Review status: criteria provided, single submitter. Criteria: Invitae Variant Classification Sherloc (09022015). Collection method: clinical testing. Allele origin: germline.
Comment: This sequence change replaces phenylalanine, which is neutral and non-polar, with valine, which is neutral and non-polar, at codon 802 of the AHR protein (p.Phe802Val). This variant is present in population databases (rs768198558, gnomAD 0.004%). This variant has not been reported in the literature in individuals affected with AHR-related conditions. ClinVar contains an entry for this variant (Variation ID: 970475). An algorithm developed to predict the effect of missense changes on protein structure and function (PolyPhen-2) suggests that this variant¬†is likely to be tolerated. In summary, the available evidence is currently insufficient to determine the role of this variant in disease. Therefore, it has been classified as a Variant of Uncertain Significance.

Ambry Genetics
Classification: Uncertain significance. Last evaluated: 2023-05-04. Review status: criteria provided, single submitter. Criteria: Ambry Variant Classification Scheme 2023. Collection method: clinical testing. Allele origin: germline.

NM_001621.5(AHR):c.2404T>G (p.Phe802Val)

Gene: AHR (aryl hydrocarbon receptor; plus strand). Cytogenetic location: 7p21.1.
Variant type: single nucleotide variant.
Coding change: c.2404T>G on transcript NM_001621.5 (MANE Select); coding-DNA position 2404, T replaced by G.
Protein change: p.Phe802Val; replaces phenylalanine 802 with valine.
Molecular consequence: missense variant.
Genome position (GRCh38, 1-based): chr7:17,342,921, T>G. VCF-style: chr7-17342921-T-G. GRCh37 (hg19) VCF-style: chr7-17382545-T-G.
Other names: short protein forms F802V.
Identifiers: ClinVar variation 970475 (VCV000970475.8), dbSNP rs768198558, ClinGen allele CA4172309.